The following is an entry in ClinVar:

ClinVar aggregate classification (germline): Uncertain significance. Review status: criteria provided, multiple submitters, no conflicts (2 of 4 stars). 2 submissions from 2 submitters: Uncertain significance (2). Last evaluated 2024-04-30.

Conditions:
Familial thoracic aortic aneurysm and aortic dissection (TAAD). Also called: Thoracic aortic aneurysms and dissections. Identifiers: Orphanet 91387, MedGen C4707243, MONDO:0019625.

gnomAD v4.1: 2 of 1,614,212 alleles (0.00012%); no homozygotes.

Submissions (2):

Labcorp Genetics (formerly Invitae), Labcorp
Classification: Uncertain significance for Familial thoracic aortic aneurysm and aortic dissection. Last evaluated: 2024-04-30. Review status: criteria provided, single submitter. Criteria: Invitae Variant Classification Sherloc (09022015). Collection method: clinical testing. Allele origin: germline.
Comment: This sequence change replaces glutamine, which is neutral and polar, with leucine, which is neutral and non-polar, at codon 194 of the TGFBR2 protein (p.Gln194Leu). This variant is not present in population databases (gnomAD no frequency). This variant has not been reported in the literature in individuals affected with TGFBR2-related conditions. ClinVar contains an entry for this variant (Variation ID: 1332595). Advanced modeling of protein sequence and biophysical properties (such as structural, functional, and spatial information, amino acid conservation, physicochemical variation, residue mobility, and thermodynamic stability) performed at Invitae indicates that this missense variant is not expected to disrupt TGFBR2 protein function with a negative predictive value of 95%. In summary, the available evidence is currently insufficient to determine the role of this variant in disease. Therefore, it has been classified as a Variant of Uncertain Significance.

Color Diagnostics, LLC DBA Color Health
Classification: Uncertain significance for Familial thoracic aortic aneurysm and aortic dissection. Last evaluated: 2024-03-06. Review status: criteria provided, single submitter. Criteria: ACMG Guidelines, 2015. Collection method: clinical testing. Allele origin: germline.
Comment: This missense variant replaces glutamine with leucine at codon 194 of the TGFBR2 protein. Computational prediction suggests that this variant may not impact protein structure and function (internally defined REVEL score threshold <= 0.5, PMID: 27666373). To our knowledge, functional studies have not been reported for this variant. This variant has not been reported in individuals affected with cardiovascular disorders in the literature. This variant has not been identified in the general population by the Genome Aggregation Database (gnomAD). The available evidence is insufficient to determine the role of this variant in disease conclusively. Therefore, this variant is classified as a Variant of Uncertain Significance.

NM_003242.6(TGFBR2):c.581A>T (p.Gln194Leu)

Gene: TGFBR2 (transforming growth factor beta receptor 2; plus strand). Cytogenetic location: 3p24.1.
Variant type: single nucleotide variant.
Coding change: c.581A>T on transcript NM_003242.6 (MANE Select); coding-DNA position 581, A replaced by T.
Protein change: p.Gln194Leu; replaces glutamine 194 with leucine.
Molecular consequence: missense variant.
Genome position (GRCh38, 1-based): chr3:30,671,764, A>T. VCF-style: chr3-30671764-A-T. GRCh37 (hg19) VCF-style: chr3-30713256-A-T.
Other names: c.656A>T, p.Gln219Leu (NM_001024847.3); c.764A>T, p.Gln255Leu (NM_001407126.1); c.689A>T, p.Gln230Leu (NM_001407127.1); c.608A>T, p.Gln203Leu (NM_001407128.1); c.584A>T, p.Gln195Leu (NM_001407129.1); c.581A>T, p.Gln194Leu (NM_001407130.1); c.476A>T, p.Gln159Leu (NM_001407132.1, NM_001407133.1, NM_001407134.1 and 2 more transcripts); c.296A>T, p.Gln99Leu (NM_001407137.1); and 1 more; short protein forms Q194L, Q219L, Q74L, Q99L, Q159L, Q195L, Q255L, Q230L.
Identifiers: ClinVar variation 1332595 (VCV001332595.6), dbSNP rs2125433612, ClinGen allele CA351807411.